The following is an entry in ClinVar:

NM_003239.5(TGFB3):c.258G>A (p.Glu86=)

Gene: TGFB3 (transforming growth factor beta 3; minus strand). Cytogenetic location: 14q24.3.
Variant type: single nucleotide variant.
Coding change: c.258G>A on transcript NM_003239.5 (MANE Select); coding-DNA position 258, G replaced by A.
Protein change: p.Glu86=; no amino-acid change (glutamic acid 86 retained).
Molecular consequence: synonymous variant.
Genome position (GRCh38, 1-based): chr14:75,980,636, C>T on the plus strand (G>A on the coding strand, the complement: TGFB3 is on the minus strand). VCF-style: chr14-75980636-C-T. GRCh37 (hg19) VCF-style: chr14-76446979-C-T.
Other names: c.258G>A, p.Glu86= (NM_001329938.2, NM_001329939.2).
Identifiers: ClinVar variation 513628 (VCV000513628.5), dbSNP rs761683627, ClinGen allele CA487276110.

ClinVar aggregate classification (germline): Likely benign. Review status: criteria provided, multiple submitters, no conflicts (2 of 4 stars). 2 submissions from 2 submitters: Likely benign (2). Last evaluated 2025-11-17.

Conditions:
Rienhoff syndrome. Also called: LOEYS-DIETZ SYNDROME 5. Identifiers: MedGen C3810012, MONDO:0014262, OMIM 615582.

gnomAD v4.1: 1 of 1,614,252 alleles (0.000062%); highest among the groups gnomAD compares: Admixed American, 0.0017%; no homozygotes.

Submissions (2):

Labcorp Genetics (formerly Invitae), Labcorp
Classification: Likely benign for Rienhoff syndrome. Last evaluated: 2025-11-17. Review status: criteria provided, single submitter. Criteria: Invitae Variant Classification Sherloc (09022015). Collection method: clinical testing. Allele origin: germline.

GeneDx
Classification: Likely benign. Last evaluated: 2017-11-29. Review status: criteria provided, single submitter. Criteria: GeneDx Variant Classification (06012015). Collection method: clinical testing. Allele origin: germline. Affected: yes.
Comment: This variant is considered likely benign or benign based on one or more of the following criteria: it is a conservative change, it occurs at a poorly conserved position in the protein, it is predicted to be benign by multiple in silico algorithms, and/or has population frequency not consistent with disease.